The following is an entry in ClinVar:

NM_001112741.2(KCNC1):c.1654G>C (p.Gly552Arg)

Gene: KCNC1 (potassium voltage-gated channel subfamily C member 1; plus strand). Cytogenetic location: 11p15.1.
Variant type: single nucleotide variant.
Coding change: c.1654G>C on transcript NM_001112741.2 (MANE Select); coding-DNA position 1654, G replaced by C.
Protein change: p.Gly552Arg; replaces glycine 552 with arginine.
Molecular consequence: missense variant.
Genome position (GRCh38, 1-based): chr11:17,779,605, G>C. VCF-style: chr11-17779605-G-C. GRCh37 (hg19) VCF-style: chr11-17801152-G-C.
Other names: short protein forms G552R.
Identifiers: ClinVar variation 1520291 (VCV001520291.8), dbSNP rs755386451, ClinGen allele CA5906854.

ClinVar aggregate classification (germline): Uncertain significance (1 of 4 stars; one submission).

Conditions:
Progressive myoclonic epilepsy type 7. Identifiers: Orphanet 435438, MedGen C4015420, MONDO:0014521, OMIM 616187.

Allele frequency attached by ClinVar (database versions not stated): ExAC 0.00005.

Submission:

Labcorp Genetics (formerly Invitae), Labcorp
Classification: Uncertain significance for Progressive myoclonic epilepsy type 7. Last evaluated: 2021-03-26. Review status: criteria provided, single submitter. Criteria: Invitae Variant Classification Sherloc (09022015). Collection method: clinical testing. Allele origin: germline.
Comment: In summary, the available evidence is currently insufficient to determine the role of this variant in disease. Therefore, it has been classified as a Variant of Uncertain Significance. Advanced modeling of protein sequence and biophysical properties (such as structural, functional, and spatial information, amino acid conservation, physicochemical variation, residue mobility, and thermodynamic stability) performed at Invitae indicates that this missense variant is expected to disrupt KCNC1 protein function. This variant has not been reported in the literature in individuals with KCNC1-related conditions. This variant is present in population databases (rs755386451, ExAC 0.01%). This sequence change replaces glycine with arginine at codon 552 of the KCNC1 protein (p.Gly552Arg). The glycine residue is weakly conserved and there is a moderate physicochemical difference between glycine and arginine.